The following is an entry in ClinVar:

ClinVar aggregate classification (germline): Uncertain significance (1 of 4 stars; one submission).

Conditions:
Legius syndrome. Identifiers: Orphanet 137605, MedGen C1969623, MONDO:0012669, OMIM 611431. Disease mechanism: loss of function.

Submission:

Labcorp Genetics (formerly Invitae), Labcorp
Classification: Uncertain significance for Legius syndrome. Last evaluated: 2023-07-12. Review status: criteria provided, single submitter. Criteria: Invitae Variant Classification Sherloc (09022015). Collection method: clinical testing. Allele origin: germline.
Comment: This sequence change creates a premature translational stop signal (p.Arg424Asnfs*7) in the SPRED1 gene. While this is not anticipated to result in nonsense mediated decay, it is expected to disrupt the last 21 amino acid(s) of the SPRED1 protein. In summary, the available evidence is currently insufficient to determine the role of this variant in disease. Therefore, it has been classified as a Variant of Uncertain Significance. Experimental studies and prediction algorithms are not available or were not evaluated, and the functional significance of this variant is currently unknown. This variant has not been reported in the literature in individuals affected with SPRED1-related conditions. This variant is not present in population databases (gnomAD no frequency).

NM_152594.3(SPRED1):c.1271_1272del (p.Arg424fs)

Gene: SPRED1 (sprouty related EVH1 domain containing 1; plus strand). Cytogenetic location: 15q14.
Variant type: Microsatellite.
Coding change: c.1271_1272del on transcript NM_152594.3 (MANE Select); coding-DNA positions 1271 to 1272, 2 bases deleted (GA; older notation c.1271_1272delGA).
Protein change: p.Arg424fs; shifts the reading frame from arginine 424.
Molecular consequence: frameshift variant.
Genome position (GRCh38, 1-based): chr15:38,351,600-38,351,601, GA deleted; deleting any 2 consecutive bases within chr15:38,351,598-38,351,601 gives the same sequence; the c. name uses the placement nearest the transcript's 3' end. VCF-style (leftmost placement, unchanged base first): chr15-38351597-TGA-T. GRCh37 (hg19) VCF-style: chr15-38643798-TGA-T.
Other names: short protein forms R424fs.
Identifiers: ClinVar variation 2742105 (VCV002742105.3), dbSNP rs2542744526, ClinGen allele CA2697554338.